The following is an entry in ClinVar:

ClinVar aggregate classification (germline): Conflicting classifications of pathogenicity. Review status: criteria provided, conflicting classifications (1 of 4 stars). 5 submissions from 5 submitters: Uncertain significance (2); Likely benign (3). Last evaluated 2024-11-20.

Conditions:
Inborn genetic diseases. Identifiers: MedGen C0950123, MeSH D030342.
Intellectual developmental disorder, autosomal dominant 1. Also called: Intellectual disability, autosomal dominant 1; MBD5 Haploinsufficiency. Identifiers: Orphanet 228402, MedGen C1969562, MONDO:0007974, OMIM 156200.

Allele frequency attached by ClinVar (database versions not stated): TOPMed 0.00002; 1000 Genomes Project 0.00020; ExAC 0.00002; gnomAD 0.00004 and 0.00003; gnomAD exomes 0.00002; 1000 Genomes Project 30x 0.00031.
gnomAD v4.1: 39 of 1,612,278 alleles (0.0024%); highest among the groups gnomAD compares: Admixed American, 0.0033%; no homozygotes.

Submissions (5):

Blueprint Genetics
Classification: Uncertain significance. Last evaluated: 2024-11-20. Review status: criteria provided, single submitter. Criteria: ACMG Guidelines, 2015. Collection method: clinical testing. Allele origin: germline.

Labcorp Genetics (formerly Invitae), Labcorp
Classification: Uncertain significance for Intellectual developmental disorder, autosomal dominant 1. Last evaluated: 2024-11-18. Review status: criteria provided, single submitter. Criteria: Invitae Variant Classification Sherloc (09022015). Collection method: clinical testing. Allele origin: germline.
Comment: This sequence change replaces isoleucine, which is neutral and non-polar, with arginine, which is basic and polar, at codon 848 of the MBD5 protein (p.Ile848Arg). This variant is present in population databases (rs184415910, gnomAD 0.005%). This variant has not been reported in the literature in individuals affected with MBD5-related conditions. ClinVar contains an entry for this variant (Variation ID: 658811). Invitae Evidence Modeling of protein sequence and biophysical properties (such as structural, functional, and spatial information, amino acid conservation, physicochemical variation, residue mobility, and thermodynamic stability) indicates that this missense variant is not expected to disrupt MBD5 protein function with a negative predictive value of 80%. In summary, the available evidence is currently insufficient to determine the role of this variant in disease. Therefore, it has been classified as a Variant of Uncertain Significance.

CeGaT Center for Human Genetics Tuebingen
Classification: Likely benign. Last evaluated: 2023-11-01. Review status: criteria provided, single submitter. Criteria: CeGaT Center For Human Genetics Tuebingen Variant Classification Criteria Version 2. Collection method: clinical testing. Allele origin: germline. Affected: yes. Observed: 3 variant alleles.
Comment: MBD5: BP4

Ambry Genetics
Classification: Likely benign for Inborn genetic diseases. Last evaluated: 2022-11-17. Review status: criteria provided, single submitter. Criteria: Ambry Variant Classification Scheme 2023. Collection method: clinical testing. Allele origin: germline.

Genetic Services Laboratory, University of Chicago
Classification: Likely benign. Last evaluated: 2018-01-05. Review status: criteria provided, single submitter. Criteria: ACMG Guidelines, 2015. Collection method: clinical testing. Allele origin: germline. Affected: no.

NM_001378120.1(MBD5):c.2543T>G (p.Ile848Arg)

Gene: MBD5 (methyl-CpG binding domain protein 5; plus strand). Cytogenetic location: 2q23.1.
Variant type: single nucleotide variant.
Coding change: c.2543T>G on transcript NM_001378120.1 (MANE Select); coding-DNA position 2543, T replaced by G.
Protein change: p.Ile848Arg; replaces isoleucine 848 with arginine.
Molecular consequence: missense variant.
Genome position (GRCh38, 1-based): chr2:148,483,134, T>G. VCF-style: chr2-148483134-T-G. GRCh37 (hg19) VCF-style: chr2-149240703-T-G.
Other names: c.2543T>G, p.Ile848Arg (NM_018328.5); short protein forms I848R.
Identifiers: ClinVar variation 658811 (VCV000658811.53), dbSNP rs184415910, ClinGen allele CA1900188.